The following is an entry in ClinVar:

ClinVar aggregate classification (germline): Uncertain significance (1 of 4 stars; one submission).

Submission:

Labcorp Genetics (formerly Invitae), Labcorp
Classification: Uncertain significance. Last evaluated: 2024-02-20. Review status: criteria provided, single submitter. Criteria: Invitae Variant Classification Sherloc (09022015). Collection method: clinical testing. Allele origin: germline.
Comment: This sequence change replaces threonine, which is neutral and polar, with serine, which is neutral and polar, at codon 2439 of the ACAN protein (p.Thr2439Ser). This variant is not present in population databases (gnomAD no frequency). This variant has not been reported in the literature in individuals affected with ACAN-related conditions. An algorithm developed to predict the effect of missense changes on protein structure and function (PolyPhen-2) suggests that this variant is likely to be disruptive. In summary, the available evidence is currently insufficient to determine the role of this variant in disease. Therefore, it has been classified as a Variant of Uncertain Significance.

NM_001369268.1(ACAN):c.7429A>T (p.Thr2477Ser)

Gene: ACAN (aggrecan; plus strand). Cytogenetic location: 15q26.1.
Variant type: single nucleotide variant.
Coding change: c.7429A>T on transcript NM_001369268.1 (MANE Select); coding-DNA position 7429, A replaced by T.
Protein change: p.Thr2477Ser; replaces threonine 2477 with serine.
Molecular consequence: missense variant.
Genome position (GRCh38, 1-based): chr15:88,873,007, A>T. VCF-style: chr15-88873007-A-T. GRCh37 (hg19) VCF-style: chr15-89416238-A-T.
Other names: c.7201A>T, p.Thr2401Ser (NM_001135.4, NM_001411096.1); c.7315A>T, p.Thr2439Ser (NM_001411097.1, NM_013227.4); short protein forms T2401S, T2439S, T2477S.
Identifiers: ClinVar variation 3674941 (VCV003674941.2).